The following is an entry in ClinVar:

NM_144991.3(TSPEAR):c.460G>C (p.Asp154His)

Gene: TSPEAR (thrombospondin type laminin G domain and EAR repeats; minus strand). Cytogenetic location: 21q22.3.
Variant type: single nucleotide variant.
Coding change: c.460G>C on transcript NM_144991.3 (MANE Select); coding-DNA position 460, G replaced by C.
Protein change: p.Asp154His; replaces aspartic acid 154 with histidine.
Molecular consequence: missense variant.
Genome position (GRCh38, 1-based): chr21:44,533,767, C>G on the plus strand (G>C on the coding strand, the complement: TSPEAR is on the minus strand). VCF-style: chr21-44533767-C-G. GRCh37 (hg19) VCF-style: chr21-45953650-C-G.
Other names: c.256G>C, p.Asp86His (NM_001272037.2); short protein forms D154H, D86H.
Identifiers: ClinVar variation 4690035 (VCV004690035.1).

ClinVar aggregate classification (germline): Uncertain significance (1 of 4 stars; one submission).

gnomAD v4.1: 9 of 1,612,396 alleles (0.00056%); highest among the groups gnomAD compares: Non-Finnish European, 0.00068%; no homozygotes.

Submission:

GeneDx
Classification: Uncertain significance. Last evaluated: 2025-07-29. Review status: criteria provided, single submitter. Criteria: GeneDx Variant Classification Process June 2021. Collection method: clinical testing. Allele origin: germline. Affected: yes.
Comment: Not observed at significant frequency in large population cohorts (gnomAD); In silico analysis supports that this missense variant has a deleterious effect on protein structure/function; Has not been previously published as pathogenic or benign to our knowledge